The following is an entry in ClinVar:

NM_000702.4(ATP1A2):c.1327C>G (p.Arg443Gly)

Gene: ATP1A2 (ATPase Na+/K+ transporting subunit alpha 2; plus strand). Cytogenetic location: 1q23.2.
Variant type: single nucleotide variant.
Coding change: c.1327C>G on transcript NM_000702.4 (MANE Select); coding-DNA position 1327, C replaced by G.
Protein change: p.Arg443Gly; replaces arginine 443 with glycine.
Molecular consequence: missense variant.
Genome position (GRCh38, 1-based): chr1:160,129,266, C>G. VCF-style: chr1-160129266-C-G. GRCh37 (hg19) VCF-style: chr1-160099056-C-G.
Other names: short protein forms R443G.
Identifiers: ClinVar variation 1351264 (VCV001351264.7), dbSNP rs1274611333, ClinGen allele CA343241694.

ClinVar aggregate classification (germline): Uncertain significance (1 of 4 stars; one submission).

Conditions:
Familial hemiplegic migraine. Identifiers: MedGen C0338484, MONDO:0000700.

Submission:

Labcorp Genetics (formerly Invitae), Labcorp
Classification: Uncertain significance for Familial hemiplegic migraine. Last evaluated: 2022-03-08. Review status: criteria provided, single submitter. Criteria: Invitae Variant Classification Sherloc (09022015). Collection method: clinical testing. Allele origin: germline.
Comment: Algorithms developed to predict the effect of missense changes on protein structure and function (SIFT, PolyPhen-2, Align-GVGD) all suggest that this variant is likely to be disruptive. This sequence change replaces arginine, which is basic and polar, with glycine, which is neutral and non-polar, at codon 443 of the ATP1A2 protein (p.Arg443Gly). This variant is not present in population databases (gnomAD no frequency). This variant has not been reported in the literature in individuals affected with ATP1A2-related conditions. In summary, the available evidence is currently insufficient to determine the role of this variant in disease. Therefore, it has been classified as a Variant of Uncertain Significance.